The following is an entry in ClinVar:

ClinVar aggregate classification (germline): Uncertain significance. Review status: criteria provided, multiple submitters, no conflicts (2 of 4 stars). 2 submissions from 2 submitters: Uncertain significance (2). Last evaluated 2025-10-22.

Conditions:
Multiple gastrointestinal atresias. Also called: FAMILIAL INTESTINAL POLYATRESIA SYNDROME; Multiple intestinal atresia. Identifiers: Orphanet 2300, MedGen C0220744, MONDO:0009465.
Inborn genetic diseases. Identifiers: MedGen C0950123, MeSH D030342.

Allele frequency attached by ClinVar (database versions not stated): ExAC 0.00002; gnomAD exomes 0.00007 and 0.00003; TOPMed 0.00003; gnomAD 0.00001.
gnomAD v4.1: 98 of 1,614,024 alleles (0.0061%); highest among the groups gnomAD compares: Non-Finnish European, 0.0078%; no homozygotes.

Submissions (2):

Ambry Genetics
Classification: Uncertain significance for Inborn genetic diseases. Last evaluated: 2025-10-22. Review status: criteria provided, single submitter. Criteria: Ambry Variant Classification Scheme 2023. Collection method: clinical testing. Allele origin: germline.

Labcorp Genetics (formerly Invitae), Labcorp
Classification: Uncertain significance for Multiple gastrointestinal atresias. Last evaluated: 2022-10-05. Review status: criteria provided, single submitter. Criteria: Invitae Variant Classification Sherloc (09022015). Collection method: clinical testing. Allele origin: germline.
Comment: This sequence change replaces arginine, which is basic and polar, with tryptophan, which is neutral and slightly polar, at codon 753 of the TTC7A protein (p.Arg753Trp). This variant is present in population databases (rs747509395, gnomAD 0.006%). This variant has not been reported in the literature in individuals affected with TTC7A-related conditions. ClinVar contains an entry for this variant (Variation ID: 1439824). Advanced modeling of protein sequence and biophysical properties (such as structural, functional, and spatial information, amino acid conservation, physicochemical variation, residue mobility, and thermodynamic stability) performed at Invitae indicates that this missense variant is expected to disrupt TTC7A protein function. In summary, the available evidence is currently insufficient to determine the role of this variant in disease. Therefore, it has been classified as a Variant of Uncertain Significance.

NM_020458.4(TTC7A):c.2257C>T (p.Arg753Trp)

Gene: TTC7A (tetratricopeptide repeat domain 7A; plus strand). Cytogenetic location: 2p21.
Variant type: single nucleotide variant.
Coding change: c.2257C>T on transcript NM_020458.4 (MANE Select); coding-DNA position 2257, C replaced by T.
Protein change: p.Arg753Trp; replaces arginine 753 with tryptophan.
Molecular consequence: missense variant.
Genome position (GRCh38, 1-based): chr2:47,060,873, C>T. VCF-style: chr2-47060873-C-T. GRCh37 (hg19) VCF-style: chr2-47288012-C-T.
Other names: c.2257C>T (NM_020458.2); c.2329C>T, p.Arg777Trp (NM_001288951.2); c.2155C>T, p.Arg719Trp (NM_001288953.2); c.1195C>T, p.Arg399Trp (NM_001288955.2); short protein forms R719W, R753W, R777W, R399W.
Identifiers: ClinVar variation 1439824 (VCV001439824.8), dbSNP rs747509395, ClinGen allele CA1648078.